The following is an entry in ClinVar:

NM_015213.4(DENND5A):c.3236C>T (p.Thr1079Ile)

Gene: DENND5A (DENN domain containing 5A; minus strand). Cytogenetic location: 11p15.4.
Variant type: single nucleotide variant.
Coding change: c.3236C>T on transcript NM_015213.4 (MANE Select); coding-DNA position 3236, C replaced by T.
Protein change: p.Thr1079Ile; replaces threonine 1079 with isoleucine.
Molecular consequence: missense variant. On other transcripts: non-coding transcript variant (1).
Genome position (GRCh38, 1-based): chr11:9,144,165, G>A on the plus strand (C>T on the coding strand, the complement: DENND5A is on the minus strand). VCF-style: chr11-9144165-G-A. GRCh37 (hg19) VCF-style: chr11-9165712-G-A.
Other names: c.3236C>T, p.Thr1079Ile (NM_001243254.2, NM_001348748.1); c.3164C>T, p.Thr1055Ile (NM_001348749.2); c.2948C>T, p.Thr983Ile (NM_001348750.2); short protein forms T1055I, T983I, T1079I.
Identifiers: ClinVar variation 2136999 (VCV002136999.1), dbSNP rs771272852, ClinGen allele CA5877095.

ClinVar aggregate classification (germline): Uncertain significance (1 of 4 stars; one submission).

Allele frequency attached by ClinVar (database versions not stated): ExAC 0.00002.
gnomAD v4.1: 69 of 1,614,004 alleles (0.0043%); highest among the groups gnomAD compares: Non-Finnish European, 0.0058%; no homozygotes.

Submission:

Labcorp Genetics (formerly Invitae), Labcorp
Classification: Uncertain significance. Last evaluated: 2022-01-27. Review status: criteria provided, single submitter. Criteria: Invitae Variant Classification Sherloc (09022015). Collection method: clinical testing. Allele origin: germline.
Comment: This sequence change replaces threonine, which is neutral and polar, with isoleucine, which is neutral and non-polar, at codon 1079 of the DENND5A protein (p.Thr1079Ile). This variant is present in population databases (rs771272852, gnomAD 0.006%). This variant has not been reported in the literature in individuals affected with DENND5A-related conditions. Algorithms developed to predict the effect of missense changes on protein structure and function are either unavailable or do not agree on the potential impact of this missense change (SIFT: "Deleterious"; PolyPhen-2: "Possibly Damaging"; Align-GVGD: "Class C0"). In summary, the available evidence is currently insufficient to determine the role of this variant in disease. Therefore, it has been classified as a Variant of Uncertain Significance.